The following is an entry in ClinVar:

ClinVar aggregate classification (germline): Uncertain significance (1 of 4 stars; one submission).

Allele frequency attached by ClinVar (database versions not stated): gnomAD exomes below 0.00001.
gnomAD v4.1: 2 of 1,614,210 alleles (0.00012%); highest among the groups gnomAD compares: Non-Finnish European, 0.00017%; no homozygotes.

Submission:

Labcorp Genetics (formerly Invitae), Labcorp
Classification: Uncertain significance. Last evaluated: 2024-01-27. Review status: criteria provided, single submitter. Criteria: Invitae Variant Classification Sherloc (09022015). Collection method: clinical testing. Allele origin: germline.
Comment: This sequence change replaces leucine, which is neutral and non-polar, with histidine, which is basic and polar, at codon 1412 of the COL2A1 protein (p.Leu1412His). This variant is not present in population databases (gnomAD no frequency). This variant has not been reported in the literature in individuals affected with COL2A1-related conditions. Advanced modeling of protein sequence and biophysical properties (such as structural, functional, and spatial information, amino acid conservation, physicochemical variation, residue mobility, and thermodynamic stability) has been performed at Invitae for this missense variant, however the output from this modeling did not meet the statistical confidence thresholds required to predict the impact of this variant on COL2A1 protein function. In summary, the available evidence is currently insufficient to determine the role of this variant in disease. Therefore, it has been classified as a Variant of Uncertain Significance.

NM_001844.5(COL2A1):c.4235T>A (p.Leu1412His)

Gene: COL2A1 (collagen type II alpha 1 chain; minus strand). Cytogenetic location: 12q13.11.
Variant type: single nucleotide variant.
Coding change: c.4235T>A on transcript NM_001844.5 (MANE Select); coding-DNA position 4235, T replaced by A.
Protein change: p.Leu1412His; replaces leucine 1412 with histidine.
Molecular consequence: missense variant.
Genome position (GRCh38, 1-based): chr12:47,974,171, A>T on the plus strand (T>A on the coding strand, the complement: COL2A1 is on the minus strand). VCF-style: chr12-47974171-A-T. GRCh37 (hg19) VCF-style: chr12-48367954-A-T.
Other names: c.4028T>A, p.Leu1343His (NM_033150.3); short protein forms L1343H, L1412H.
Identifiers: ClinVar variation 2965241 (VCV002965241.3), dbSNP rs2136505253, ClinGen allele CA384533567.
Genomic context (GRCh38, chr12:47,974,171, plus strand): 5'-GTGTACGTGAACCTGCTATTGCCCTCTGCCCGGATCTCCACGTCATTGGAGCCCTGGATG[A>T]GCAGGGCCTTCTTGAGGTTGCCAGCTGCTTCGTCCAGATAGGCAATGCTGTTCTTGCAGT-3'
Protein context (NP_001835.3, residues 1402-1422): EAAGNLKKAL[Leu1412His]IQGSNDVEIR